The following is an entry in ClinVar:

ClinVar aggregate classification (germline): Uncertain significance (1 of 4 stars; one submission).

Submission:

Ambry Genetics
Classification: Uncertain significance. Last evaluated: 2023-03-22. Review status: criteria provided, single submitter. Criteria: Ambry Variant Classification Scheme 2023. Collection method: clinical testing. Allele origin: germline.
Comment: The p.M885T variant (also known as c.2654T>C), located in coding exon 16 of the POLQ gene, results from a T to C substitution at nucleotide position 2654. The methionine at codon 885 is replaced by threonine, an amino acid with similar properties. This amino acid position is conserved. In addition, this alteration is predicted to be tolerated by in silico analysis. Since supporting evidence is limited at this time, the clinical significance of this alteration remains unclear.

NM_199420.4(POLQ):c.2654T>C (p.Met885Thr)

Gene: POLQ (DNA polymerase theta; minus strand). Cytogenetic location: 3q13.33.
Variant type: single nucleotide variant.
Coding change: c.2654T>C on transcript NM_199420.4 (MANE Select); coding-DNA position 2654, T replaced by C.
Protein change: p.Met885Thr; replaces methionine 885 with threonine.
Molecular consequence: missense variant.
Genome position (GRCh38, 1-based): chr3:121,490,277, A>G on the plus strand (T>C on the coding strand, the complement: POLQ is on the minus strand). VCF-style: chr3-121490277-A-G. GRCh37 (hg19) VCF-style: chr3-121209124-A-G.
Other names: short protein forms M885T.
Identifiers: ClinVar variation 2563773 (VCV002563773.2), dbSNP rs2546788424, ClinGen allele CA354105399.